The following is an entry in ClinVar:

NM_032357.4(VMA22):c.305G>A (p.Arg102Gln)

Gene: VMA22 (vacuolar ATPase assembly factor VMA22; minus strand). Cytogenetic location: 2q21.1.
Variant type: single nucleotide variant.
Coding change: c.305G>A on transcript NM_032357.4 (MANE Select); coding-DNA position 305, G replaced by A.
Protein change: p.Arg102Gln; replaces arginine 102 with glutamine.
Molecular consequence: missense variant. On other transcripts: non-coding transcript variant (2).
Genome position (GRCh38, 1-based): chr2:130,341,033, C>T on the plus strand (G>A on the coding strand, the complement: VMA22 is on the minus strand). VCF-style: chr2-130341033-C-T. GRCh37 (hg19) VCF-style: chr2-131098606-C-T.
Other names: c.290G>A, p.Arg97Gln (NM_001321118.1); c.281G>A, p.Arg94Gln (NM_001321119.2); short protein forms R102Q, R94Q, R97Q.
Identifiers: ClinVar variation 1805385 (VCV001805385.8), dbSNP rs537888072, ClinGen allele CA1871277.
Genomic context (GRCh38, chr2:130,341,033, plus strand): 5'-GGGTCCTGAGGGGCCTCAGAGGACTCCGGTTCTGGGGTCTTAGTGGGGCCCTTGCGCCTC[C>T]GCAGACCTGAGGAAAGAAAGGTTGGAGGAGGCTGGGATCTTACTCCCTGACCTTTATCAT-3'
Protein context (NP_115733.2, residues 92-112): EEVGPREAGL[Arg102Gln]RRKGPTKTPE

ClinVar aggregate classification (germline): Uncertain significance. Review status: criteria provided, multiple submitters, no conflicts (2 of 4 stars). 3 submissions from 3 submitters: Uncertain significance (3). Last evaluated 2026-05-03.

Conditions:
VMA22-related condition.
CCDC115-CDG. Also called: CDG IIo; CONGENITAL DISORDER OF GLYCOSYLATION, TYPE IIo. Identifiers: Orphanet 468684, MedGen C4225191, MONDO:0014789, OMIM 616828.

Allele frequency attached by ClinVar (database versions not stated): gnomAD 0.00015; TOPMed 0.00016; 1000 Genomes Project 30x 0.00031; 1000 Genomes Project 0.00040.
gnomAD v4.1: 64 of 1,605,274 alleles (0.004%); highest among the groups gnomAD compares: Middle Eastern, 0.1%; no homozygotes.

Submissions (4):

PreventionGenetics, part of Exact Sciences
Classification: Uncertain significance for VMA22-related condition. Last evaluated: 2026-05-03. Review status: criteria provided, single submitter. Criteria: ACMG Guidelines, 2015. Collection method: clinical testing. Allele origin: germline.
Comment: The VMA22 c.305G>A variant is predicted to result in the amino acid substitution p.Arg102Gln. To our knowledge, this variant has not been reported in the literature. This variant is reported in 0.030% of alleles in individuals of African descent in gnomAD. At this time, the clinical significance of this variant is uncertain due to the absence of conclusive functional and genetic evidence.

Labcorp Genetics (formerly Invitae), Labcorp
Classification: Uncertain significance. Last evaluated: 2022-05-27. Review status: criteria provided, single submitter. Criteria: Invitae Variant Classification Sherloc (09022015). Collection method: clinical testing. Allele origin: germline.
Comment: This sequence change replaces arginine, which is basic and polar, with glutamine, which is neutral and polar, at codon 102 of the CCDC115 protein (p.Arg102Gln). This variant is present in population databases (rs537888072, gnomAD 0.03%). This variant has not been reported in the literature in individuals affected with CCDC115-related conditions. Algorithms developed to predict the effect of missense changes on protein structure and function (SIFT, PolyPhen-2, Align-GVGD) all suggest that this variant is likely to be disruptive. In summary, the available evidence is currently insufficient to determine the role of this variant in disease. Therefore, it has been classified as a Variant of Uncertain Significance.

Victorian Clinical Genetics Services, Murdoch Childrens Research Institute
Classification: Uncertain significance for CCDC115-CDG. Last evaluated: 2022-03-31. Review status: criteria provided, single submitter. Criteria: ACMG Guidelines, 2015. Collection method: clinical testing. Allele origin: germline. Inheritance: Autosomal recessive inheritance. Affected: yes.
Comment: Based on the classification scheme VCGS_Germline_v1.3.4, this variant is classified as VUS-3B. Following criteria are met: 0102 - Loss of function is a known mechanism of disease in this gene and is associated with congenital disorder of glycosylation, type IIo (MIM#616828). (I) 0106 - This gene is associated with autosomal recessive disease. (I) 0200 - Variant is predicted to result in a missense amino acid change from arginine to glutamine. (I) 0252 - This variant is homozygous. (I) 0304 - Variant is present in gnomAD (v3) <0.01 for a recessive condition (22 heterozygotes, 0 homozygotes). (SP) 0309 - Two alternative amino acid changes at the same position have been observed in gnomAD (v2) (highest allele count: 9 heterozygotes, 0 homozygotes). (I) 0501 - Missense variant consistently predicted to be damaging by multiple in silico tools or highly conserved with a major amino acid change. (SP) 0604 - Variant is not located in an established domain, motif, hotspot or informative constraint region. (I) 0705 - No comparable missense variants have previous evidence for pathogenicity. (I) 0807 - This variant has no previous evidence of pathogenicity. (I) 0905 - No published segregation evidence has been identified for this variant. (I) 1007 - No published functional evidence has been identified for this variant. (I) Legend: (SP) - Supporting pathogenic, (I) - Information, (SB) - Supporting benign

Dr. Peter K. Rogan Lab, Western University
No classification provided (evidence only). Condition: Adrenocortical carcinoma, hereditary. Review status: no classification provided. Collection method: in vitro. Allele origin: not applicable. Functional consequence: retained intron. Not counted in ClinVar's aggregate classification.